The following is an entry in ClinVar:

NM_004672.5(MAP3K6):c.2738G>A (p.Arg913His)

Gene: MAP3K6 (mitogen-activated protein kinase kinase kinase 6; minus strand). Cytogenetic location: 1p36.11.
Variant type: single nucleotide variant.
Coding change: c.2738G>A on transcript NM_004672.5 (MANE Select); coding-DNA position 2738, G replaced by A.
Protein change: p.Arg913His; replaces arginine 913 with histidine.
Molecular consequence: missense variant.
Genome position (GRCh38, 1-based): chr1:27,358,457, C>T on the plus strand (G>A on the coding strand, the complement: MAP3K6 is on the minus strand). VCF-style: chr1-27358457-C-T. GRCh37 (hg19) VCF-style: chr1-27684948-C-T.
Other names: c.2714G>A, p.Arg905His (NM_001297609.2); short protein forms R905H, R913H.
Identifiers: ClinVar variation 3056439 (VCV003056439.2), dbSNP rs114560243, ClinGen allele CA713313.

ClinVar aggregate classification (germline): Benign (0 of 4 stars; one submission).

Conditions:
MAP3K6-related disorder. Also called: MAP3K6-related condition.

Allele frequency attached by ClinVar (database versions not stated): gnomAD exomes 0.00027; ExAC 0.00072; gnomAD 0.00231; 1000 Genomes Project 0.00240; TOPMed 0.00255; ESP Exome Variant Server 0.00263; 1000 Genomes Project 30x 0.00265.
gnomAD v4.1: 745 of 1,594,084 alleles (0.047%); highest among the groups gnomAD compares: African/African-American, 0.85%; 2 homozygotes.

Submission:

PreventionGenetics, part of Exact Sciences
Classification: Benign for MAP3K6-related condition. Last evaluated: 2019-07-29. Review status: no assertion criteria provided. Collection method: clinical testing. Allele origin: germline.
Comment: This variant is classified as benign based on ACMG/AMP sequence variant interpretation guidelines (Richards et al. 2015 PMID: 25741868, with internal and published modifications).